The following is an entry in ClinVar:

NM_004667.6(HERC2):c.6646C>T (p.Arg2216Cys)

Gene: HERC2 (HECT and RLD domain containing E3 ubiquitin protein ligase 2; minus strand). Cytogenetic location: 15q13.1.
Variant type: single nucleotide variant.
Coding change: c.6646C>T on transcript NM_004667.6 (MANE Select); coding-DNA position 6646, C replaced by T.
Protein change: p.Arg2216Cys; replaces arginine 2216 with cysteine.
Molecular consequence: missense variant.
Genome position (GRCh38, 1-based): chr15:28,213,882, G>A on the plus strand (C>T on the coding strand, the complement: HERC2 is on the minus strand). VCF-style: chr15-28213882-G-A. GRCh37 (hg19) VCF-style: chr15-28459028-G-A.
Other names: short protein forms R2216C.
Identifiers: ClinVar variation 3342547 (VCV003342547.1).

ClinVar aggregate classification (germline): Uncertain significance (1 of 4 stars; one submission).

gnomAD v4.1: 8 of 1,613,970 alleles (0.0005%); highest among the groups gnomAD compares: East Asian, 0.0045%; no homozygotes.

Submission:

GeneDx
Classification: Uncertain significance. Last evaluated: 2024-01-09. Review status: criteria provided, single submitter. Criteria: GeneDx Variant Classification Process June 2021. Collection method: clinical testing. Allele origin: germline. Affected: yes.
Comment: Not observed at significant frequency in large population cohorts (gnomAD); In silico analysis supports that this missense variant has a deleterious effect on protein structure/function; Has not been previously published as pathogenic or benign to our knowledge